The following is an entry in ClinVar:

NM_014874.4(MFN2):c.1988G>C (p.Arg663Pro)

Gene: MFN2 (mitofusin 2; plus strand). Cytogenetic location: 1p36.22.
Variant type: single nucleotide variant.
Coding change: c.1988G>C on transcript NM_014874.4 (MANE Select); coding-DNA position 1988, G replaced by C.
Protein change: p.Arg663Pro; replaces arginine 663 with proline.
Molecular consequence: missense variant.
Genome position (GRCh38, 1-based): chr1:12,007,168, G>C. VCF-style: chr1-12007168-G-C. GRCh37 (hg19) VCF-style: chr1-12067225-G-C.
Other names: c.1988G>C, p.Arg663Pro (NM_001127660.2); short protein forms R663P.
Identifiers: ClinVar variation 1390643 (VCV001390643.8), dbSNP rs766735605, ClinGen allele CA338451356.
Genomic context (GRCh38, chr1:12,007,168, plus strand): 5'-TCCTCTACGTCTATGAGCGTCTGACCTGGACCACCAAGGCCAAGGAGAGGGCCTTCAAGC[G>C]CCAGTTTGTGGAGCATGCCAGCGAGAAGCTGCAGCTTGTCATCAGCTACACTGGCTCCAA-3'
Protein context (NP_055689.1, residues 653-673): TTKAKERAFK[Arg663Pro]QFVEHASEKL

ClinVar aggregate classification (germline): Uncertain significance (1 of 4 stars; one submission).

Conditions:
Charcot-Marie-Tooth disease type 2. Also called: Charcot-Marie-Tooth type 2. Identifiers: Orphanet 64746, MedGen C0270914, MONDO:0018993.

Submission:

Labcorp Genetics (formerly Invitae), Labcorp
Classification: Uncertain significance for Charcot-Marie-Tooth disease type 2. Last evaluated: 2021-06-23. Review status: criteria provided, single submitter. Criteria: Invitae Variant Classification Sherloc (09022015). Collection method: clinical testing. Allele origin: germline.
Comment: This variant is not present in population databases (ExAC no frequency). In summary, the available evidence is currently insufficient to determine the role of this variant in disease. Therefore, it has been classified as a Variant of Uncertain Significance. Advanced modeling of protein sequence and biophysical properties (such as structural, functional, and spatial information, amino acid conservation, physicochemical variation, residue mobility, and thermodynamic stability) performed at Invitae indicates that this missense variant is expected to disrupt MFN2 protein function. This variant has not been reported in the literature in individuals with MFN2-related conditions. This sequence change replaces arginine with proline at codon 663 of the MFN2 protein (p.Arg663Pro). The arginine residue is moderately conserved and there is a moderate physicochemical difference between arginine and proline.